The following is an entry in ClinVar:

NM_002161.6(IARS1):c.833+1G>A

Gene: IARS1 (isoleucyl-tRNA synthetase 1; minus strand). Cytogenetic location: 9q22.31.
Variant type: single nucleotide variant.
Coding change: c.833+1G>A on transcript NM_002161.6 (MANE Select); the canonical splice donor site of the intron after coding-DNA position 833, G replaced by A.
Molecular consequence: splice donor variant.
Genome position (GRCh38, 1-based): chr9:92,278,198, C>T on the plus strand (G>A on the coding strand, the complement: IARS1 is on the minus strand). VCF-style: chr9-92278198-C-T. GRCh37 (hg19) VCF-style: chr9-95040480-C-T.
Other names: c.833+1G>A (NM_001378573.1, NM_001374301.1, NM_001378582.1 and 15 more transcripts); c.710+1G>A (NM_001378583.1); c.896+1G>A (NM_001378569.1).
Identifiers: ClinVar variation 4752797 (VCV004752797.1).

ClinVar aggregate classification (germline): Likely pathogenic (1 of 4 stars; one submission).

gnomAD v4.1: 5 of 1,565,104 alleles (0.00032%); highest among the groups gnomAD compares: Admixed American, 0.0083%; no homozygotes.

Submission:

Labcorp Genetics (formerly Invitae), Labcorp
Classification: Likely pathogenic. Last evaluated: 2025-12-27. Review status: criteria provided, single submitter. Criteria: Invitae Variant Classification Sherloc (09022015). Collection method: clinical testing. Allele origin: germline.
Comment: This sequence change affects a donor splice site in intron 8 of the IARS gene. It is expected to disrupt RNA splicing. Variants that disrupt the donor or acceptor splice site typically lead to a loss of protein function (PMID: 16199547), and loss-of-function variants in IARS are known to be pathogenic (PMID: 27426735, 27891590). This variant is present in population databases (rs777822462, gnomAD 0.01%). This variant has not been reported in the literature in individuals affected with IARS-related conditions. Algorithms developed to predict the effect of sequence changes on RNA splicing suggest that this variant may disrupt the consensus splice site. In summary, the currently available evidence indicates that the variant is pathogenic, but additional data are needed to prove that conclusively. Therefore, this variant has been classified as Likely Pathogenic.

Literature cited by the submitters: PubMed 16199547; PubMed 27426735; PubMed 27891590.